The following is an entry in ClinVar:

ClinVar aggregate classification (germline): Pathogenic (1 of 4 stars; one submission).

Conditions:
Duchenne muscular dystrophy (DMD). Also called: Duchenne Muscular Dystrophy (DMD); MUSCULAR DYSTROPHY, PSEUDOHYPERTROPHIC PROGRESSIVE, DUCHENNE TYPE. Identifiers: Orphanet 98896, MedGen C0013264, MONDO:0010679, OMIM 310200.

Submission:

Labcorp Genetics (formerly Invitae), Labcorp
Classification: Pathogenic for Duchenne muscular dystrophy. Last evaluated: 2021-08-04. Review status: criteria provided, single submitter. Criteria: Invitae Variant Classification Sherloc (09022015). Collection method: clinical testing. Allele origin: germline.
Comment: This variant results in a copy number gain of the genomic region encompassing exon(s) 2-4 of the DMD gene. While the exact position of this variant cannot be determined from the data, sub-genic copy number gains are generally in tandem (PMID: 25640679). This variant is predicted to be out-of-frame, and may result in an absent or disrupted protein product. Loss-of-function variants in DMD are known to be pathogenic (PMID: 16770791, 25007885). A similar copy number variant has been observed in individuals with Duchenne or Becker muscular dystrophy (PMID: 16439068, 18663755). For these reasons, this variant has been classified as Pathogenic.

Literature cited by the submitters: PubMed 25640679; PubMed 16770791; PubMed 25007885; PubMed 16439068; PubMed 18663755.

NC_000023.11:g.(?_32844773)_(33020210_?)dup

Gene: DMD (dystrophin; minus strand). Cytogenetic location: Xp21.1.
Variant type: Duplication.
Identifiers: ClinVar variation 830991 (VCV000830991.2).